The following is an entry in ClinVar:

ClinVar aggregate classification (germline): Uncertain significance (1 of 4 stars; one submission).

Submission:

Women's Health and Genetics/Laboratory Corporation of America, LabCorp
Classification: Uncertain significance. Last evaluated: 2026-01-28. Review status: criteria provided, single submitter. Criteria: LabCorp Variant Classification Summary - May 2015. Collection method: clinical testing. Allele origin: germline.
Comment: Variant summary: KANSL1 c.1096G>C (p.Gly366Arg) results in a non-conservative amino acid change in the encoded protein sequence. Algorithms developed to predict the effect of missense changes on protein structure and function are either unavailable or do not agree on the potential impact of this missense change. The variant was absent in 251424 control chromosomes. The available data on variant occurrences in the general population are insufficient to allow any conclusion about variant significance. To our knowledge, no occurrence of c.1096G>C in individuals affected with KANSL1-related conditions and no experimental evidence demonstrating its impact on protein function have been reported. No submitters have cited clinical-significance assessments for this variant to ClinVar. Based on the evidence outlined above, the variant was classified as uncertain significance.

NM_015443.4(KANSL1):c.1096G>C (p.Gly366Arg)

Gene: KANSL1 (KAT8 regulatory NSL complex subunit 1). Cytogenetic location: 17q21.31.
Variant type: single nucleotide variant.
Coding change: c.1096G>C on transcript NM_015443.4 (MANE Select); coding-DNA position 1096, G replaced by C.
Protein change: p.Gly366Arg; replaces glycine 366 with arginine.
Molecular consequence: missense variant. On other transcripts: intron variant (4).
Genome position (GRCh38, 1-based): chr17:46,171,048, C>G on the plus strand (G>C on the coding strand, the complement: KANSL1 is on the minus strand). VCF-style: chr17-46171048-C-G. GRCh37 (hg19) VCF-style: chr17-44248414-C-G.
Other names: c.1096G>C, p.Gly366Arg (NM_001193465.2, NM_001193466.2, NM_001379198.1 and 18 more transcripts); c.23+52623G>C (NM_001405885.1, NM_001405884.1, NM_001405883.1 and 1 more transcripts); short protein forms G366R.
Identifiers: ClinVar variation 4689120 (VCV004689120.1).
Genomic context (GRCh38, chr17:46,171,048, plus strand): 5'-TAGCTGTAAATCTCTCCAATTCTTCTGAAATTGAATTGCTTTTCAGAAAGTTGCTAAGTC[C>G]CTCTGAAGTGGTGGTCTCACTGGCAGCTTTTCTCAAGGCAGCTTCAGCCTTTCGAGTCAG-3'
Protein context (NP_056258.1, residues 356-376): KAASETTTSE[Gly366Arg]LSNFLKSNSI